The following is an entry in ClinVar:

ClinVar aggregate classification (germline): Uncertain significance (1 of 4 stars; one submission).

Submission:

Ambry Genetics
Classification: Uncertain significance. Last evaluated: 2023-09-13. Review status: criteria provided, single submitter. Criteria: Ambry Variant Classification Scheme 2023. Collection method: clinical testing. Allele origin: germline.
Comment: The p.V43I variant (also known as c.127G>A), located in coding exon 1 of the PRKDC gene, results from a G to A substitution at nucleotide position 127. The valine at codon 43 is replaced by isoleucine, an amino acid with highly similar properties. This amino acid position is conserved. In addition, this alteration is predicted to be tolerated by in silico analysis. Since supporting evidence is limited at this time, the clinical significance of this alteration remains unclear.

NM_006904.7(PRKDC):c.127G>A (p.Val43Ile)

Gene: PRKDC (protein kinase, DNA-activated, catalytic subunit; minus strand). Cytogenetic location: 8q11.21.
Variant type: single nucleotide variant.
Coding change: c.127G>A on transcript NM_006904.7 (MANE Select); coding-DNA position 127, G replaced by A.
Protein change: p.Val43Ile; replaces valine 43 with isoleucine.
Molecular consequence: missense variant.
Genome position (GRCh38, 1-based): chr8:47,960,000, C>T on the plus strand (G>A on the coding strand, the complement: PRKDC is on the minus strand). VCF-style: chr8-47960000-C-T. GRCh37 (hg19) VCF-style: chr8-48872560-C-T.
Other names: c.127G>A, p.Val43Ile (NM_001081640.2); short protein forms V43I.
Identifiers: ClinVar variation 2626367 (VCV002626367.2), dbSNP rs1448014260, ClinGen allele CA371142677.